The following is an entry in ClinVar:

NM_000156.6(GAMT):c.610A>G (p.Arg204Gly)

Gene: GAMT (guanidinoacetate N-methyltransferase; minus strand). Cytogenetic location: 19p13.3.
Variant type: single nucleotide variant.
Coding change: c.610A>G on transcript NM_000156.6 (MANE Select); coding-DNA position 610, A replaced by G.
Protein change: p.Arg204Gly; replaces arginine 204 with glycine.
Molecular consequence: missense variant.
Genome position (GRCh38, 1-based): chr19:1,397,460, T>C on the plus strand (A>G on the coding strand, the complement: GAMT is on the minus strand). VCF-style: chr19-1397460-T-C. GRCh37 (hg19) VCF-style: chr19-1397459-T-C.
Other names: c.610A>G (NM_000156.5); short protein forms R204G.
Identifiers: ClinVar variation 2139494 (VCV002139494.2), dbSNP rs757914548, ClinGen allele CA9043558.

ClinVar aggregate classification (germline): Uncertain significance. Review status: criteria provided, multiple submitters, no conflicts (2 of 4 stars). 2 submissions from 2 submitters: Uncertain significance (2). Last evaluated 2024-04-17.

Conditions:
Inborn genetic diseases. Identifiers: MedGen C0950123, MeSH D030342.
Cerebral creatine deficiency syndrome. Also called: Creatine deficiency syndromes. Identifiers: Orphanet 79172, MedGen C5244016, MONDO:0000456.

Allele frequency attached by ClinVar (database versions not stated): gnomAD exomes below 0.00001; ExAC 0.00001; gnomAD 0.00001; TOPMed 0.00001.
gnomAD v4.1: 6 of 1,608,844 alleles (0.00037%); highest among the groups gnomAD compares: East Asian, 0.013%; no homozygotes.

Submissions (2):

Ambry Genetics
Classification: Uncertain significance for Inborn genetic diseases. Last evaluated: 2024-04-17. Review status: criteria provided, single submitter. Criteria: Ambry Variant Classification Scheme 2023. Collection method: clinical testing. Allele origin: germline.

Labcorp Genetics (formerly Invitae), Labcorp
Classification: Uncertain significance for Cerebral creatine deficiency syndrome. Last evaluated: 2021-09-17. Review status: criteria provided, single submitter. Criteria: Invitae Variant Classification Sherloc (09022015). Collection method: clinical testing. Allele origin: germline.
Comment: This sequence change replaces arginine with glycine at codon 204 of the GAMT protein (p.Arg204Gly). The arginine residue is weakly conserved and there is a moderate physicochemical difference between arginine and glycine. This variant is present in population databases (rs757914548, ExAC 0.01%). This variant has not been reported in the literature in individuals affected with GAMT-related conditions. Algorithms developed to predict the effect of missense changes on protein structure and function (SIFT, PolyPhen-2, Align-GVGD) all suggest that this variant is likely to be tolerated. In summary, the available evidence is currently insufficient to determine the role of this variant in disease. Therefore, it has been classified as a Variant of Uncertain Significance.